The following is an entry in ClinVar:

ClinVar aggregate classification (germline): Uncertain significance (1 of 4 stars; one submission).

Conditions:
Autosomal dominant nocturnal frontal lobe epilepsy 5. Also called: CILIARY DYSKINESIA, PRIMARY, 28, WITHOUT SITUS INVERSUS; CILIARY DYSKINESIA, PRIMARY, 28, WITH SITUS INVERSUS; Epilepsy, nocturnal frontal lobe, 5; KCNT1-Related Epilepsy. Identifiers: Orphanet 98784, MedGen C3554306, MONDO:0014002, OMIM 615005.
Developmental and epileptic encephalopathy, 14 (DEE14). Also called: Early infantile epileptic encephalopathy 14. Identifiers: Orphanet 293181, MedGen C3554195, MONDO:0013989, OMIM 614959.

Allele frequency attached by ClinVar (database versions not stated): gnomAD exomes below 0.00001.
gnomAD v4.1: 5 of 1,604,056 alleles (0.00031%); highest among the groups gnomAD compares: Non-Finnish European, 0.00034%; no homozygotes.

Submission:

Labcorp Genetics (formerly Invitae), Labcorp
Classification: Uncertain significance for Autosomal dominant nocturnal frontal lobe epilepsy 5; Developmental and epileptic encephalopathy, 14. Last evaluated: 2023-09-22. Review status: criteria provided, single submitter. Criteria: Invitae Variant Classification Sherloc (09022015). Collection method: clinical testing. Allele origin: germline.
Comment: In summary, the available evidence is currently insufficient to determine the role of this variant in disease. Therefore, it has been classified as a Variant of Uncertain Significance. Advanced modeling of protein sequence and biophysical properties (such as structural, functional, and spatial information, amino acid conservation, physicochemical variation, residue mobility, and thermodynamic stability) performed at Invitae indicates that this missense variant is not expected to disrupt KCNT1 protein function. ClinVar contains an entry for this variant (Variation ID: 2084680). This variant has not been reported in the literature in individuals affected with KCNT1-related conditions. This variant is not present in population databases (gnomAD no frequency). This sequence change replaces serine, which is neutral and polar, with proline, which is neutral and non-polar, at codon 1201 of the KCNT1 protein (p.Ser1201Pro).

NM_020822.3(KCNT1):c.3601T>C (p.Ser1201Pro)

Gene: KCNT1 (potassium sodium-activated channel subfamily T member 1; plus strand). Cytogenetic location: 9q34.3.
Variant type: single nucleotide variant.
Coding change: c.3601T>C on transcript NM_020822.3 (MANE Select); coding-DNA position 3601, T replaced by C.
Protein change: p.Ser1201Pro; replaces serine 1201 with proline.
Molecular consequence: missense variant.
Genome position (GRCh38, 1-based): chr9:135,792,054, T>C. VCF-style: chr9-135792054-T-C. GRCh37 (hg19) VCF-style: chr9-138683900-T-C.
Other names: c.3529T>C, p.Ser1177Pro (NM_001272003.2); short protein forms S1177P, S1201P.
Identifiers: ClinVar variation 2084680 (VCV002084680.4), dbSNP rs1834578232, ClinGen allele CA375494223.